The following is an entry in ClinVar:

NM_003848.4(SUCLG2):c.804C>G (p.Phe268Leu)

Gene: SUCLG2 (succinate-CoA ligase GDP-forming subunit beta; minus strand). Cytogenetic location: 3p14.1.
Variant type: single nucleotide variant.
Coding change: c.804C>G on transcript NM_003848.4 (MANE Select); coding-DNA position 804, C replaced by G.
Protein change: p.Phe268Leu; replaces phenylalanine 268 with leucine.
Molecular consequence: missense variant.
Genome position (GRCh38, 1-based): chr3:67,498,249, G>C on the plus strand (C>G on the coding strand, the complement: SUCLG2 is on the minus strand). VCF-style: chr3-67498249-G-C. GRCh37 (hg19) VCF-style: chr3-67548673-G-C.
Other names: c.804C>G, p.Phe268Leu (NM_001177599.2); short protein forms F268L.
Identifiers: ClinVar variation 4750228 (VCV004750228.1).

ClinVar aggregate classification (germline): Uncertain significance (1 of 4 stars; one submission).

gnomAD v4.1: 2 of 1,613,824 alleles (0.00012%); highest among the groups gnomAD compares: African/African-American, 0.0027%; no homozygotes.

Submission:

Labcorp Genetics (formerly Invitae), Labcorp
Classification: Uncertain significance. Last evaluated: 2025-06-23. Review status: criteria provided, single submitter. Criteria: Invitae Variant Classification Sherloc (09022015). Collection method: clinical testing. Allele origin: germline.
Comment: This sequence change replaces phenylalanine, which is neutral and non-polar, with leucine, which is neutral and non-polar, at codon 268 of the SUCLG2 protein (p.Phe268Leu). This variant is not present in population databases (gnomAD no frequency). This variant has not been reported in the literature in individuals affected with SUCLG2-related conditions. An algorithm developed to predict the effect of missense changes on protein structure and function (PolyPhen-2) suggests that this variant is likely to be disruptive. In summary, the available evidence is currently insufficient to determine the role of this variant in disease. Therefore, it has been classified as a Variant of Uncertain Significance.